The following is an entry in ClinVar:

ClinVar aggregate classification (germline): Uncertain significance. Review status: criteria provided, multiple submitters, no conflicts (2 of 4 stars). 2 submissions from 2 submitters: Uncertain significance (2). Last evaluated 2024-08-14.

Conditions:
Hereditary cancer-predisposing syndrome. Also called: Neoplastic Syndromes, Hereditary; Hereditary neoplastic syndrome; Tumor predisposition; Hereditary Cancer Syndrome. Identifiers: Orphanet 140162, MedGen C0027672, MeSH D009386, MONDO:0015356.
Ataxia-telangiectasia syndrome (AT). Also called: Ataxia telangiectasia (A-T); Cerebello-oculocutaneous telangiectasia; Immunodeficiency with ataxia telangiectasia; LOUIS-BAR SYNDROME; AT, COMPLEMENTATION GROUP C; ATAXIA-TELANGIECTASIA, FRESNO VARIANT. Identifiers: Orphanet 100, MedGen C0004135, MONDO:0008840, OMIM 208900.

Allele frequency attached by ClinVar (database versions not stated): gnomAD exomes below 0.00001.
gnomAD v4.1: 1 of 1,606,728 alleles (0.000062%); highest among the groups gnomAD compares: Non-Finnish European, 0.000085%; no homozygotes.

Submissions (2):

Labcorp Genetics (formerly Invitae), Labcorp
Classification: Uncertain significance for Ataxia-telangiectasia syndrome. Last evaluated: 2024-08-14. Review status: criteria provided, single submitter. Criteria: Invitae Variant Classification Sherloc (09022015). Collection method: clinical testing. Allele origin: germline.
Comment: This sequence change replaces valine, which is neutral and non-polar, with methionine, which is neutral and non-polar, at codon 2808 of the ATM protein (p.Val2808Met). This variant is not present in population databases (gnomAD no frequency). This variant has not been reported in the literature in individuals affected with ATM-related conditions. ClinVar contains an entry for this variant (Variation ID: 233752). An algorithm developed to predict the effect of missense changes on protein structure and function outputs the following: PolyPhen-2: "Benign". The methionine amino acid residue is found in multiple mammalian species, which suggests that this missense change does not adversely affect protein function. In summary, the available evidence is currently insufficient to determine the role of this variant in disease. Therefore, it has been classified as a Variant of Uncertain Significance.

Ambry Genetics
Classification: Uncertain significance for Hereditary cancer-predisposing syndrome. Last evaluated: 2015-09-08. Review status: criteria provided, single submitter. Criteria: Ambry Variant Classification Scheme 2023. Collection method: clinical testing. Allele origin: germline.
Comment: The p.V2808M variant (also known as c.8422G>A), located in coding exon 57 of the ATM gene, results from a G to A substitution at nucleotide position 8422. The valine at codon 2808 is replaced by methionine, an amino acid with highly similar properties. This variant was not reported in population based cohorts in the following databases: Database of Single Nucleotide Polymorphisms (dbSNP), NHLBI Exome Sequencing Project (ESP), and 1000 Genomes Project. In the ESP, this variant was not observed in 6499 samples (12998 alleles) with coverage at this position. To date, this alteration has been detected with an allele frequency of approximately 0.002% (greater than 66000 alleles tested) in our clinical cohort. This amino acid position is not well conserved in available vertebrate species. In addition, this alteration is predicted to be tolerated by in silico analysis. Since supporting evidence is limited at this time, the clinical significance of p.V2808M remains unclear.

NM_000051.4(ATM):c.8422G>A (p.Val2808Met)

Genes: ATM (ATM serine/threonine kinase; plus strand), C11orf65 (chromosome 11 open reading frame 65; minus strand). Cytogenetic location: 11q22.3.
Variant type: single nucleotide variant.
Coding change: c.8422G>A on transcript NM_000051.4 (MANE Select); coding-DNA position 8422, G replaced by A.
Protein change: p.Val2808Met; replaces valine 2808 with methionine.
Molecular consequence: missense variant. On other transcripts: intron variant (2).
Genome position (GRCh38, 1-based): chr11:108,345,746, G>A. VCF-style: chr11-108345746-G-A. GRCh37 (hg19) VCF-style: chr11-108216473-G-A.
Other names: c.8422G>A, p.Val2808Met (NM_001351834.2); c.641-36675C>T (NM_001330368.2); c.695-10454C>T (NM_001351110.2); short protein forms V2808M.
Identifiers: ClinVar variation 233752 (VCV000233752.14), dbSNP rs876660616, ClinGen allele CA10579298.